The following is an entry in ClinVar:

NM_170707.4(LMNA):c.878A>G (p.Gln293Arg)

Gene: LMNA (lamin A/C; plus strand). Cytogenetic location: 1q22.
Variant type: single nucleotide variant.
Coding change: c.878A>G on transcript NM_170707.4 (MANE Select); coding-DNA position 878, A replaced by G.
Protein change: p.Gln293Arg; replaces glutamine 293 with arginine.
Molecular consequence: missense variant.
Genome position (GRCh38, 1-based): chr1:156,135,254, A>G. VCF-style: chr1-156135254-A-G. GRCh37 (hg19) VCF-style: chr1-156105045-A-G.
Other names: c.542A>G, p.Gln181Arg (NM_001257374.3, NM_001406998.1, NM_001406989.1); c.635A>G, p.Gln212Arg (NM_001282624.2, NM_001406986.1, NM_001406987.1); c.878A>G, p.Gln293Arg (NM_001282625.2, NM_001282626.2, NM_001406983.1 and 6 more transcripts); c.320A>G, p.Gln107Arg (NM_001406995.1, NM_001406996.1, NM_001406997.1 and 4 more transcripts); c.214A>G, p.Ser72Gly (NM_001406999.1, NM_001407000.1, NM_001407001.1 and 1 more transcripts); c.581A>G, p.Gln194Arg (NM_001406988.1); short protein forms Q107R, Q212R, Q293R, Q181R, Q194R, S72G.
Identifiers: ClinVar variation 2990583 (VCV002990583.4), dbSNP rs1651454980, ClinGen allele CA342817720.

ClinVar aggregate classification (germline): Uncertain significance. Review status: criteria provided, multiple submitters, no conflicts (2 of 4 stars). 2 submissions from 2 submitters: Uncertain significance (2). Last evaluated 2025-09-05.

Conditions:
Cardiomyopathy (CMYO). Also called: Cardiomyopathies. Identifiers: Orphanet 167848, MedGen C0878544, MONDO:0004994, HP:0001638. Inheritance: Various modes of inheritance.
Charcot-Marie-Tooth disease type 2. Also called: Charcot-Marie-Tooth type 2. Identifiers: Orphanet 64746, MedGen C0270914, MONDO:0018993.

Allele frequency attached by ClinVar (database versions not stated): TOPMed below 0.00001; gnomAD exomes below 0.00001.
gnomAD v4.1: 2 of 1,613,690 alleles (0.00012%); highest among the groups gnomAD compares: Non-Finnish European, 0.00017%; no homozygotes.

Submissions (2):

Color Diagnostics, LLC DBA Color Health
Classification: Uncertain significance for Cardiomyopathy. Last evaluated: 2025-09-05. Review status: criteria provided, single submitter. Criteria: ACMG Guidelines, 2015. Collection method: clinical testing. Allele origin: germline.
Comment: This missense variant replaces glutamine with arginine at codon 293 of the LMNA protein. Computational prediction is inconclusive regarding the impact of this variant on protein structure and function. To our knowledge, functional studies have not been reported for this variant. This variant has not been reported in individuals affected with LMNA-related disorders in the literature. This variant has not been identified in the general population by the Genome Aggregation Database (gnomAD). The available evidence is insufficient to determine the role of this variant in disease conclusively. Therefore, this variant is classified as a Variant of Uncertain Significance.

Labcorp Genetics (formerly Invitae), Labcorp
Classification: Uncertain significance for Charcot-Marie-Tooth disease type 2. Last evaluated: 2024-08-15. Review status: criteria provided, single submitter. Criteria: Invitae Variant Classification Sherloc (09022015). Collection method: clinical testing. Allele origin: germline.
Comment: This sequence change replaces glutamine, which is neutral and polar, with arginine, which is basic and polar, at codon 293 of the LMNA protein (p.Gln293Arg). This variant is not present in population databases (gnomAD no frequency). This variant has not been reported in the literature in individuals affected with LMNA-related conditions. Invitae Evidence Modeling of protein sequence and biophysical properties (such as structural, functional, and spatial information, amino acid conservation, physicochemical variation, residue mobility, and thermodynamic stability) indicates that this missense variant is expected to disrupt LMNA protein function with a positive predictive value of 95%. In summary, the available evidence is currently insufficient to determine the role of this variant in disease. Therefore, it has been classified as a Variant of Uncertain Significance.